The following is an entry in ClinVar:

NM_001365999.1(SZT2):c.6086T>C (p.Met2029Thr)

Gene: SZT2 (SZT2 subunit of KICSTOR complex; plus strand). Cytogenetic location: 1p34.2.
Variant type: single nucleotide variant.
Coding change: c.6086T>C on transcript NM_001365999.1 (MANE Select); coding-DNA position 6086, T replaced by C.
Protein change: p.Met2029Thr; replaces methionine 2029 with threonine.
Molecular consequence: missense variant.
Genome position (GRCh38, 1-based): chr1:43,437,222, T>C. VCF-style: chr1-43437222-T-C. GRCh37 (hg19) VCF-style: chr1-43902893-T-C.
Other names: c.5915T>C, p.Met1972Thr (NM_015284.4); short protein forms M2029T, M1972T.
Identifiers: ClinVar variation 1435328 (VCV001435328.5), dbSNP rs1404624099, ClinGen allele CA340028153.
Genomic context (GRCh38, chr1:43,437,222, plus strand): 5'-CTCACCCAGATTATGCTGCTGATGAGAGCTGTGCGCCCCGTGGGTACCTGGCAGCCACAA[T>C]GCAGTTTGTCCCTGGCCATTTCTCCTGTGACGTTGTGTGGGGAACTGTGATCCGAGTCCA-3'
Protein context (NP_001352928.1, residues 2019-2039): CAPRGYLAAT[Met2029Thr]QFVPGHFSCD

ClinVar aggregate classification (germline): Uncertain significance (1 of 4 stars; one submission).

Allele frequency attached by ClinVar (database versions not stated): gnomAD exomes below 0.00001 and 0.00001; TOPMed below 0.00001.
gnomAD v4.1: 13 of 1,614,178 alleles (0.00081%); highest among the groups gnomAD compares: Non-Finnish European, 0.0011%; no homozygotes.

Submission:

Labcorp Genetics (formerly Invitae), Labcorp
Classification: Uncertain significance. Last evaluated: 2021-08-24. Review status: criteria provided, single submitter. Criteria: Invitae Variant Classification Sherloc (09022015). Collection method: clinical testing. Allele origin: germline.
Comment: This sequence change replaces methionine with threonine at codon 1972 of the SZT2 protein (p.Met1972Thr). The methionine residue is highly conserved and there is a moderate physicochemical difference between methionine and threonine. This variant is not present in population databases (ExAC no frequency). This variant has not been reported in the literature in individuals affected with SZT2-related conditions. Algorithms developed to predict the effect of missense changes on protein structure and function (SIFT, PolyPhen-2, Align-GVGD) all suggest that this variant is likely to be disruptive. In summary, the available evidence is currently insufficient to determine the role of this variant in disease. Therefore, it has been classified as a Variant of Uncertain Significance.